The following is an entry in ClinVar:

ClinVar aggregate classification (germline): Benign/Likely benign. Review status: criteria provided, multiple submitters, no conflicts (2 of 4 stars). 5 submissions from 5 submitters: Benign (1); Likely benign (4). Last evaluated 2026-04-01.

Allele frequency attached by ClinVar (database versions not stated): gnomAD exomes 0.00033 and 0.00077; ExAC 0.00086; ESP Exome Variant Server 0.00262; gnomAD 0.00289 and 0.00312; TOPMed 0.00336; 1000 Genomes Project 30x 0.00344; 1000 Genomes Project 0.00359.
gnomAD v4.1: 955 of 1,612,826 alleles (0.059%); highest among the groups gnomAD compares: African/African-American, 0.97%; 8 homozygotes.

Submissions (5):

CeGaT Center for Human Genetics Tuebingen
Classification: Likely benign. Last evaluated: 2026-04-01. Review status: criteria provided, single submitter. Criteria: CeGaT Center For Human Genetics Tuebingen Variant Classification Criteria Version 2. Collection method: clinical testing. Allele origin: germline. Affected: yes. Observed: 1 variant allele.
Comment: CLCNKB: BP4

Labcorp Genetics (formerly Invitae), Labcorp
Classification: Benign. Last evaluated: 2026-01-26. Review status: criteria provided, single submitter. Criteria: Invitae Variant Classification Sherloc (09022015). Collection method: clinical testing. Allele origin: germline.

Blueprint Genetics
Classification: Likely benign. Last evaluated: 2024-09-25. Review status: criteria provided, single submitter. Criteria: ACMG Guidelines, 2015. Collection method: clinical testing. Allele origin: germline.

Athena Diagnostics
Classification: Likely benign. Last evaluated: 2017-02-10. Review status: criteria provided, single submitter. Criteria: Athena Diagnostics Criteria. Collection method: clinical testing. Allele origin: germline.

Breakthrough Genomics
Classification: Likely benign. Review status: criteria provided, single submitter. Criteria: ACMG Guidelines, 2015. Collection method: not provided. Allele origin: germline. Inheritance: Autosomal recessive inheritance. Affected: yes.

NM_000085.5(CLCNKB):c.1409-6T>C

Genes: CLCNKB (chloride voltage-gated channel Kb; plus strand), LOC106501713 (CLCNKB recombination region; plus strand). Cytogenetic location: 1p36.13.
Variant type: single nucleotide variant.
Coding change: c.1409-6T>C on transcript NM_000085.5 (MANE Select); 6 bases into the intron before coding-DNA position 1409, T replaced by C.
Molecular consequence: intron variant.
Genome position (GRCh38, 1-based): chr1:16,052,192, T>C. VCF-style: chr1-16052192-T-C. GRCh37 (hg19) VCF-style: chr1-16378687-T-C.
Other names: c.902-6T>C (NM_001165945.2).
Identifiers: ClinVar variation 447091 (VCV000447091.14), dbSNP rs115910575, ClinGen allele CA623870.